The following is an entry in ClinVar:

ClinVar aggregate classification (germline): Uncertain significance. Review status: criteria provided, multiple submitters, no conflicts (2 of 4 stars). 2 submissions from 2 submitters: Uncertain significance (2). Last evaluated 2022-08-31.

Conditions:
Inborn genetic diseases. Identifiers: MedGen C0950123, MeSH D030342.
Charcot-Marie-Tooth disease axonal type 2O. Also called: CHARCOT-MARIE-TOOTH NEUROPATHY, AXONAL, TYPE 2O; CHARCOT-MARIE-TOOTH DISEASE, AXONAL, AUTOSOMAL DOMINANT, TYPE 2O; Charcot-Marie-Tooth Neuropathy Type 2O; Charcot-Marie-Tooth disease, axonal, type 20. Identifiers: Orphanet 284232, MedGen C3280220, MONDO:0013644, OMIM 614228.

Allele frequency attached by ClinVar (database versions not stated): TOPMed below 0.00001.

Submissions (2):

Labcorp Genetics (formerly Invitae), Labcorp
Classification: Uncertain significance for Charcot-Marie-Tooth disease axonal type 2O. Last evaluated: 2022-08-31. Review status: criteria provided, single submitter. Criteria: Invitae Variant Classification Sherloc (09022015). Collection method: clinical testing. Allele origin: germline.
Comment: In summary, the available evidence is currently insufficient to determine the role of this variant in disease. Therefore, it has been classified as a Variant of Uncertain Significance. Algorithms developed to predict the effect of missense changes on protein structure and function are either unavailable or do not agree on the potential impact of this missense change (SIFT: "Deleterious"; PolyPhen-2: "Possibly Damaging"; Align-GVGD: "Class C0"). ClinVar contains an entry for this variant (Variation ID: 1501299). This variant has not been reported in the literature in individuals affected with DYNC1H1-related conditions. This variant is not present in population databases (gnomAD no frequency). This sequence change replaces proline, which is neutral and non-polar, with leucine, which is neutral and non-polar, at codon 2480 of the DYNC1H1 protein (p.Pro2480Leu).

Ambry Genetics
Classification: Uncertain significance for Inborn genetic diseases. Last evaluated: 2021-06-22. Review status: criteria provided, single submitter. Criteria: Ambry Variant Classification Scheme 2023. Collection method: clinical testing. Allele origin: germline.

NM_001376.5(DYNC1H1):c.7439C>T (p.Pro2480Leu)

Gene: DYNC1H1 (dynein cytoplasmic 1 heavy chain 1; plus strand). Cytogenetic location: 14q32.31.
Variant type: single nucleotide variant.
Coding change: c.7439C>T on transcript NM_001376.5 (MANE Select); coding-DNA position 7439, C replaced by T.
Protein change: p.Pro2480Leu; replaces proline 2480 with leucine.
Molecular consequence: missense variant.
Genome position (GRCh38, 1-based): chr14:102,016,052, C>T. VCF-style: chr14-102016052-C-T. GRCh37 (hg19) VCF-style: chr14-102482389-C-T.
Other names: c.7439C>T (NM_001376.4); short protein forms P2480L.
Identifiers: ClinVar variation 1501299 (VCV001501299.7), dbSNP rs1229845145, ClinGen allele CA391002129.